The following is an entry in ClinVar:

ClinVar aggregate classification (germline): Benign/Likely benign. Review status: criteria provided, multiple submitters, no conflicts (2 of 4 stars). 3 submissions from 3 submitters: Benign (2); Likely benign (1). Last evaluated 2022-08-01.

Allele frequency attached by ClinVar (database versions not stated): 1000 Genomes Project 30x 0.00203; 1000 Genomes Project 0.00220; gnomAD exomes 0.00552 and 0.00827; gnomAD 0.00561 and 0.00591; TOPMed 0.00566; ExAC 0.00591; ESP Exome Variant Server 0.00601.
gnomAD v4.1: 12,844 of 1,614,150 alleles (0.8%); highest among the groups gnomAD compares: Non-Finnish European, 1%; 68 homozygotes.

Submissions (3):

CeGaT Center for Human Genetics Tuebingen
Classification: Likely benign. Last evaluated: 2022-08-01. Review status: criteria provided, single submitter. Criteria: CeGaT Center For Human Genetics Tuebingen Variant Classification Criteria Version 2. Collection method: clinical testing. Allele origin: germline. Affected: yes. Observed: 3 variant alleles.
Comment: DLEC1: BP4, BP7

Labcorp Genetics (formerly Invitae), Labcorp
Classification: Benign. Last evaluated: 2018-08-20. Review status: criteria provided, single submitter. Criteria: Invitae Variant Classification Sherloc (09022015). Collection method: clinical testing. Allele origin: germline.

Breakthrough Genomics
Classification: Benign. Review status: criteria provided, single submitter. Criteria: ACMG Guidelines, 2015. Collection method: not provided. Allele origin: germline. Inheritance: Unknown mechanism. Affected: yes.

NM_007335.4(DLEC1):c.2613C>T (p.Leu871=)

Gene: DLEC1 (DLEC1 cilia and flagella associated protein; plus strand). Cytogenetic location: 3p22.2.
Variant type: single nucleotide variant.
Coding change: c.2613C>T on transcript NM_007335.4 (MANE Select); coding-DNA position 2613, C replaced by T.
Protein change: p.Leu871=; no amino-acid change (leucine 871 retained).
Molecular consequence: synonymous variant.
Genome position (GRCh38, 1-based): chr3:38,097,791, C>T. VCF-style: chr3-38097791-C-T. GRCh37 (hg19) VCF-style: chr3-38139282-C-T.
Other names: c.2613C>T, p.Leu871= (NM_001321153.2, NM_007337.4).
Identifiers: ClinVar variation 712994 (VCV000712994.28), dbSNP rs190082830, ClinGen allele CA2314425.